The following is an entry in ClinVar:

ClinVar aggregate classification (germline): Uncertain significance. Review status: criteria provided, multiple submitters, no conflicts (2 of 4 stars). 2 submissions from 2 submitters: Uncertain significance (2). Last evaluated 2025-12-10.

Conditions:
Hereditary cancer-predisposing syndrome. Also called: Neoplastic Syndromes, Hereditary; Tumor predisposition; Hereditary neoplastic syndrome; Hereditary Cancer Syndrome. Identifiers: Orphanet 140162, MedGen C0027672, MeSH D009386, MONDO:0015356.
Bloom syndrome (BLM). Also called: Bloom-Torre-Machacek syndrome. Identifiers: Orphanet 125, MedGen C0005859, MONDO:0008876, OMIM 210900.

Allele frequency attached by ClinVar (database versions not stated): gnomAD exomes below 0.00001; TOPMed below 0.00001; ExAC 0.00001.
gnomAD v4.1: 2 of 1,614,184 alleles (0.00012%); highest among the groups gnomAD compares: Admixed American, 0.0017%; no homozygotes.

Submissions (2):

Ambry Genetics
Classification: Uncertain significance for Hereditary cancer-predisposing syndrome. Last evaluated: 2025-12-10. Review status: criteria provided, single submitter. Criteria: Ambry Variant Classification Scheme 2023. Collection method: clinical testing. Allele origin: germline.
Comment: The p.A95E variant (also known as c.284C>A), located in coding exon 2 of the BLM gene, results from a C to A substitution at nucleotide position 284. The alanine at codon 95 is replaced by glutamic acid, an amino acid with dissimilar properties. This amino acid position is conserved. In addition, this alteration is predicted to be tolerated by in silico analysis. Since supporting evidence is limited at this time, the clinical significance of this alteration remains unclear.

Labcorp Genetics (formerly Invitae), Labcorp
Classification: Uncertain significance for Bloom syndrome. Last evaluated: 2023-11-03. Review status: criteria provided, single submitter. Criteria: Invitae Variant Classification Sherloc (09022015). Collection method: clinical testing. Allele origin: germline.
Comment: This sequence change replaces alanine, which is neutral and non-polar, with glutamic acid, which is acidic and polar, at codon 95 of the BLM protein (p.Ala95Glu). This variant is present in population databases (rs751028188, gnomAD 0.003%). This variant has not been reported in the literature in individuals affected with BLM-related conditions. ClinVar contains an entry for this variant (Variation ID: 643954). Algorithms developed to predict the effect of missense changes on protein structure and function output the following: SIFT: "Not Available"; PolyPhen-2: "Benign"; Align-GVGD: "Not Available". The glutamic acid amino acid residue is found in multiple mammalian species, which suggests that this missense change does not adversely affect protein function. In summary, the available evidence is currently insufficient to determine the role of this variant in disease. Therefore, it has been classified as a Variant of Uncertain Significance.

NM_000057.4(BLM):c.284C>A (p.Ala95Glu)

Gene: BLM (BLM RecQ like helicase; plus strand). Cytogenetic location: 15q26.1.
Variant type: single nucleotide variant.
Coding change: c.284C>A on transcript NM_000057.4 (MANE Select); coding-DNA position 284, C replaced by A.
Protein change: p.Ala95Glu; replaces alanine 95 with glutamic acid.
Molecular consequence: missense variant. On other transcripts: 5 prime UTR variant (1).
Genome position (GRCh38, 1-based): chr15:90,749,552, C>A. VCF-style: chr15-90749552-C-A. GRCh37 (hg19) VCF-style: chr15-91292782-C-A.
Other names: c.284C>A, p.Ala95Glu (NM_001287246.2, NM_001287247.2); c.-1008C>A (NM_001287248.2); short protein forms A95E.
Identifiers: ClinVar variation 643954 (VCV000643954.10), dbSNP rs751028188, ClinGen allele CA7738271.